The following is an entry in ClinVar:

NM_001083961.2(WDR62):c.3812C>T (p.Ala1271Val)

Gene: WDR62 (WD repeat domain 62; plus strand). Cytogenetic location: 19q13.12.
Variant type: single nucleotide variant.
Coding change: c.3812C>T on transcript NM_001083961.2 (MANE Select); coding-DNA position 3812, C replaced by T.
Protein change: p.Ala1271Val; replaces alanine 1271 with valine.
Molecular consequence: missense variant.
Genome position (GRCh38, 1-based): chr19:36,103,640, C>T. VCF-style: chr19-36103640-C-T. GRCh37 (hg19) VCF-style: chr19-36594542-C-T.
Other names: p.Ala1271Val; c.3797C>T, p.Ala1266Val (NM_173636.5); short protein forms A1271V, A1266V.
Identifiers: ClinVar variation 196613 (VCV000196613.67), dbSNP rs111294536, ClinGen allele CA207617.
Genomic context (GRCh38, chr19:36,103,640, plus strand): 5'-GGCCATCGTCCGTTGGGGAGCTGGCCTCCTTGGGCCAGGAGCTTCAGGCCATCACCACCG[C>T]GACAACACCCAGTTTGGACAGTGAGGGCCAAGAGCCTGCCCTGCGTTCCTGGGGCAACCA-3'
Protein context (NP_001077430.1, residues 1261-1281): LGQELQAITT[Ala1271Val]TTPSLDSEGQ

ClinVar aggregate classification (germline): Benign/Likely benign. Review status: criteria provided, multiple submitters, no conflicts (2 of 4 stars). 14 submissions from 14 submitters: Benign (4); Likely benign (8). 2 of the submissions do not count toward it. Last evaluated 2026-02-01.

Conditions:
Inborn genetic diseases. Identifiers: MedGen C0950123, MeSH D030342.
Microcephaly 2, primary, autosomal recessive, with or without cortical malformations. Also called: MICROCEPHALY 2, PRIMARY, AUTOSOMAL RECESSIVE, WITH CORTICAL MALFORMATIONS; WDR62 Primary Microcephaly. Identifiers: Orphanet 2512, MedGen C1858535, MONDO:0011435, OMIM 604317.

Allele frequency attached by ClinVar (database versions not stated): 1000 Genomes Project 0.00140; 1000 Genomes Project 30x 0.00156; TOPMed 0.00250; gnomAD exomes 0.00283 and 0.00454; ExAC 0.00296; gnomAD 0.00296 and 0.00310; ESP Exome Variant Server 0.00446.
gnomAD v4.1: 7,001 of 1,609,386 alleles (0.44%); highest among the groups gnomAD compares: Non-Finnish European, 0.54%; 23 homozygotes.

Submissions (14):

CeGaT Center for Human Genetics Tuebingen
Classification: Likely benign. Last evaluated: 2026-02-01. Review status: criteria provided, single submitter. Criteria: CeGaT Center For Human Genetics Tuebingen Variant Classification Criteria Version 2. Collection method: clinical testing. Allele origin: germline. Affected: yes. Observed: 11 variant alleles.
Comment: WDR62: BP4, BS2

Labcorp Genetics (formerly Invitae), Labcorp
Classification: Benign. Last evaluated: 2025-12-22. Review status: criteria provided, single submitter. Criteria: Invitae Variant Classification Sherloc (09022015). Collection method: clinical testing. Allele origin: germline.

Mayo Clinic Laboratories, Mayo Clinic
Classification: Benign. Last evaluated: 2025-04-11. Review status: criteria provided, single submitter. Criteria: ACMG Guidelines, 2015. Collection method: clinical testing. Allele origin: germline. Observed: 4 variant alleles.
Comment: BS1, BS2, BP4_moderate

Blueprint Genetics
Classification: Likely benign. Last evaluated: 2024-11-27. Review status: criteria provided, single submitter. Criteria: ACMG Guidelines, 2015. Collection method: clinical testing. Allele origin: germline.

Genome-Nilou Lab
Classification: Benign for Microcephaly 2, primary, autosomal recessive, with or without cortical malformations. Last evaluated: 2021-12-05. Review status: criteria provided, single submitter. Criteria: ACMG Guidelines, 2015. Collection method: clinical testing. Allele origin: germline. Affected: no.

Ambry Genetics
Classification: Likely benign for Inborn genetic diseases. Last evaluated: 2021-09-13. Review status: criteria provided, single submitter. Criteria: Ambry Variant Classification Scheme 2023. Collection method: clinical testing. Allele origin: germline.

GeneDx
Classification: Likely benign. Last evaluated: 2020-11-06. Review status: criteria provided, single submitter. Criteria: GeneDx Variant Classification Process June 2021. Collection method: clinical testing. Allele origin: germline. Affected: yes.
Comment: Has not been previously published as pathogenic or benign to our knowledge

Athena Diagnostics
Classification: Benign. Last evaluated: 2018-06-13. Review status: criteria provided, single submitter. Criteria: Athena Diagnostics Criteria. Collection method: clinical testing. Allele origin: germline.

Illumina Laboratory Services, Illumina
Classification: Likely benign for Microcephaly 2, primary, autosomal recessive, with or without cortical malformations. Last evaluated: 2018-01-13. Review status: criteria provided, single submitter. Criteria: ICSL Variant Classification Criteria 13 December 2019. Collection method: clinical testing. Allele origin: germline.
Comment: This variant was observed in the ICSL laboratory as part of a predisposition screen in an ostensibly healthy population. It had not been previously curated by ICSL or reported in the Human Gene Mutation Database (HGMD: prior to June 1st, 2018), and was therefore a candidate for classification through an automated scoring system. Utilizing variant allele frequency, disease prevalence and penetrance estimates, and inheritance mode, an automated score was calculated to assess if this variant is too frequent to cause the disease. Based on the score and internal cut-off values, a variant classified as likely benign is not then subjected to further curation. The score for this variant resulted in a classification of likely benign for this disease.

Eurofins Ntd Llc (ga)
Classification: Likely benign. Last evaluated: 2015-10-19. Review status: criteria provided, single submitter. Criteria: EGL Classification Definitions 2015. Collection method: clinical testing. Allele origin: germline. Observed: 4 variant alleles, 4 heterozygotes.

Genetic Services Laboratory, University of Chicago
Classification: Likely benign. Last evaluated: 2015-06-23. Review status: criteria provided, single submitter. Criteria: ACMG Guidelines, 2015. Collection method: clinical testing. Allele origin: germline.

Breakthrough Genomics
Classification: Likely benign. Review status: criteria provided, single submitter. Criteria: ACMG Guidelines, 2015. Collection method: not provided. Allele origin: germline. Inheritance: Autosomal recessive inheritance. Affected: yes.

Clinical Genetics DNA and cytogenetics Diagnostics Lab, Erasmus MC, Erasmus Medical Center
Classification: Likely benign. Review status: no assertion criteria provided. Collection method: clinical testing. Allele origin: germline. Affected: yes. Study: VKGL Data-share Consensus. Not counted in ClinVar's aggregate classification.

Joint Genome Diagnostic Labs from Nijmegen and Maastricht, Radboudumc and MUMC+
Classification: Benign. Review status: no assertion criteria provided. Collection method: clinical testing. Allele origin: germline. Affected: yes. Study: VKGL Data-share Consensus. Not counted in ClinVar's aggregate classification.